The following is an entry in ClinVar:

ClinVar aggregate classification (germline): Uncertain significance. Review status: criteria provided, multiple submitters, no conflicts (2 of 4 stars). 2 submissions from 2 submitters: Uncertain significance (2). Last evaluated 2025-03-29.

Conditions:
Hereditary cancer-predisposing syndrome. Also called: Neoplastic Syndromes, Hereditary; Hereditary neoplastic syndrome; Tumor predisposition; Hereditary Cancer Syndrome. Identifiers: Orphanet 140162, MedGen C0027672, MeSH D009386, MONDO:0015356.
Ataxia-telangiectasia syndrome (AT). Also called: Ataxia-telangiectasia, complementation group D; AT, COMPLEMENTATION GROUP C; ATAXIA-TELANGIECTASIA, COMPLEMENTATION GROUP A; ATAXIA-TELANGIECTASIA, FRESNO VARIANT; LOUIS-BAR SYNDROME; Cerebello-oculocutaneous telangiectasia. Identifiers: Orphanet 100, MedGen C0004135, MONDO:0008840, OMIM 208900.

Submissions (2):

Labcorp Genetics (formerly Invitae), Labcorp
Classification: Uncertain significance for Ataxia-telangiectasia syndrome. Last evaluated: 2025-03-29. Review status: criteria provided, single submitter. Criteria: Invitae Variant Classification Sherloc (09022015). Collection method: clinical testing. Allele origin: germline.
Comment: This sequence change replaces serine, which is neutral and polar, with asparagine, which is neutral and polar, at codon 1455 of the ATM protein (p.Ser1455Asn). This variant is not present in population databases (gnomAD no frequency). This variant has not been reported in the literature in individuals affected with ATM-related conditions. ClinVar contains an entry for this variant (Variation ID: 3326543). Invitae Evidence Modeling of protein sequence and biophysical properties (such as structural, functional, and spatial information, amino acid conservation, physicochemical variation, residue mobility, and thermodynamic stability) indicates that this missense variant is not expected to disrupt ATM protein function with a negative predictive value of 95%. In summary, the available evidence is currently insufficient to determine the role of this variant in disease. Therefore, it has been classified as a Variant of Uncertain Significance.

Ambry Genetics
Classification: Uncertain significance for Hereditary cancer-predisposing syndrome. Last evaluated: 2024-06-04. Review status: criteria provided, single submitter. Criteria: Ambry Variant Classification Scheme 2023. Collection method: clinical testing. Allele origin: germline.
Comment: The p.S1455N variant (also known as c.4364G>A), located in coding exon 28 of the ATM gene, results from a G to A substitution at nucleotide position 4364. The serine at codon 1455 is replaced by asparagine, an amino acid with highly similar properties. This amino acid position is conserved. In addition, this alteration is predicted to be tolerated by in silico analysis. Based on the available evidence, the clinical significance of this variant remains unclear.

NM_000051.4(ATM):c.4364G>A (p.Ser1455Asn)

Gene: ATM (ATM serine/threonine kinase; plus strand). Cytogenetic location: 11q22.3.
Variant type: single nucleotide variant.
Coding change: c.4364G>A on transcript NM_000051.4 (MANE Select); coding-DNA position 4364, G replaced by A.
Protein change: p.Ser1455Asn; replaces serine 1455 with asparagine.
Molecular consequence: missense variant.
Genome position (GRCh38, 1-based): chr11:108,289,729, G>A. VCF-style: chr11-108289729-G-A. GRCh37 (hg19) VCF-style: chr11-108160456-G-A.
Other names: c.4364G>A, p.Ser1455Asn (NM_001351834.2); short protein forms S1455N.
Identifiers: ClinVar variation 3326543 (VCV003326543.2).